The following is an entry in ClinVar:

NM_005502.4(ABCA1):c.4195A>T (p.Thr1399Ser)

Gene: ABCA1 (ATP binding cassette subfamily A member 1; minus strand). Cytogenetic location: 9q31.1.
Variant type: single nucleotide variant.
Coding change: c.4195A>T on transcript NM_005502.4 (MANE Select); coding-DNA position 4195, A replaced by T.
Protein change: p.Thr1399Ser; replaces threonine 1399 with serine.
Molecular consequence: missense variant.
Genome position (GRCh38, 1-based): chr9:104,809,545, T>A on the plus strand (A>T on the coding strand, the complement: ABCA1 is on the minus strand). VCF-style: chr9-104809545-T-A. GRCh37 (hg19) VCF-style: chr9-107571826-T-A.
Other names: short protein forms T1399S.
Identifiers: ClinVar variation 364404 (VCV000364404.10), dbSNP rs538614702, ClinGen allele CA5168206.

ClinVar aggregate classification (germline): Conflicting classifications of pathogenicity. Review status: criteria provided, conflicting classifications (1 of 4 stars). 4 submissions from 3 submitters: Uncertain significance (1); Benign (1); Likely benign (2). Last evaluated 2024-10-08.

Conditions:
Cardiovascular phenotype. Identifiers: MedGen CN230736.
Tangier disease (TGD). Also called: HIGH DENSITY LIPOPROTEIN DEFICIENCY, TANGIER TYPE; HIGH DENSITY LIPOPROTEIN DEFICIENCY, TYPE 1; Cholesterol thesaurismosis. Identifiers: Orphanet 31150, MedGen C0039292, MONDO:0008783, OMIM 205400.
Hypoalphalipoproteinemia, primary, 1. Identifiers: Orphanet 425, MedGen C5231558, MONDO:0011393, OMIM 604091.

Allele frequency attached by ClinVar (database versions not stated): TOPMed below 0.00001; gnomAD 0.00001 and 0.00007; gnomAD exomes 0.00010 and 0.00022; ExAC 0.00022; 1000 Genomes Project 30x 0.00078; 1000 Genomes Project 0.00080.
gnomAD v4.1: 154 of 1,614,204 alleles (0.0095%); highest among the groups gnomAD compares: South Asian, 0.16%; 1 homozygote.

Submissions (4):

Labcorp Genetics (formerly Invitae), Labcorp
Classification: Likely benign. Last evaluated: 2024-10-08. Review status: criteria provided, single submitter. Criteria: Invitae Variant Classification Sherloc (09022015). Collection method: clinical testing. Allele origin: germline.

Ambry Genetics
Classification: Likely benign for Cardiovascular phenotype. Last evaluated: 2021-12-23. Review status: criteria provided, single submitter. Criteria: Ambry Variant Classification Scheme 2023. Collection method: clinical testing. Allele origin: germline.

Illumina Laboratory Services, Illumina
Classification: Benign for Hypoalphalipoproteinemia, primary, 1. Last evaluated: 2018-01-13. Review status: criteria provided, single submitter. Criteria: ICSL Variant Classification Criteria 13 December 2019. Collection method: clinical testing. Allele origin: germline.
Comment: This variant was observed in the ICSL laboratory as part of a predisposition screen in an ostensibly healthy population. It had not been previously curated by ICSL or reported in the Human Gene Mutation Database (HGMD: prior to June 1st, 2018), and was therefore a candidate for classification through an automated scoring system. Utilizing variant allele frequency, disease prevalence and penetrance estimates, and inheritance mode, an automated score was calculated to assess if this variant is too frequent to cause the disease. Based on the score and internal cut-off values, a variant classified as benign is not then subjected to further curation. The score for this variant resulted in a classification of benign for this disease.

Illumina Laboratory Services, Illumina
Classification: Uncertain significance for Tangier disease. Last evaluated: 2018-01-13. Review status: criteria provided, single submitter. Criteria: ICSL Variant Classification Criteria 13 December 2019. Collection method: clinical testing. Allele origin: germline.